The following is an entry in ClinVar:

ClinVar aggregate classification (germline): other (0 of 4 stars; one submission).

Conditions:
Familial colorectal cancer. Identifiers: MedGen CN280943, MONDO:0023113. Disease mechanism: loss of function.

Submission:

Systems Biology Platform Zhejiang California International NanoSystems Institute
Classification: other for Familial colorectal cancer. Review status: no assertion criteria provided. Collection method: not provided. Allele origin: unknown.
ClinVar note: Converted during submission from cancer to other.

NM_000038.6(APC):c.-19+888G>T

Gene: APC (APC regulator of WNT signaling pathway; plus strand). Cytogenetic location: 5q22.2.
Variant type: single nucleotide variant.
Coding change: c.-19+888G>T on transcript NM_000038.6 (MANE Select); 888 bases into the intron after 19 bases upstream of the start codon, G replaced by T.
Molecular consequence: intron variant.
Genome position (GRCh38, 1-based): chr5:112,738,813, G>T. VCF-style: chr5-112738813-G-T. GRCh37 (hg19) VCF-style: chr5-112074510-G-T.
Other names: c.-18-16060G>T (NM_001354895.2); c.166-27513G>T (NM_001354897.2, NM_001354902.2, NM_001127511.3); c.-19+353G>T (NM_001127510.3); c.60+353G>T (NM_001354898.2, NM_001354904.2); c.-1054+888G>T (NM_001354906.2); c.-19+888G>T (NM_001354896.2, NM_001354903.2, NM_001354899.2); c.-43+888G>T (NM_001354900.2, NM_001354901.2, NM_001354905.2).
Identifiers: ClinVar variation 82746 (VCV000082746.2), dbSNP rs76376330, ClinGen allele CA007130.